The following is an entry in ClinVar:

NM_001286074.1(TAF1):c.40_54dup15

Gene: TAF1 (TATA-box binding protein associated factor 1; plus strand). Cytogenetic location: Xq13.1.
Variant type: Microsatellite.
Coding change: c.40_54dup15 on transcript NM_001286074.1; coding-DNA positions 40 to 54, 15 bases duplicated.
Genome position: GRCh38 VCF-style: chrX-71366353-T-TACCACCATCACTGCTGCC. GRCh37 (hg19) VCF-style: chrX-70586203-T-TACCACCATCACTGCTGCC.
Identifiers: ClinVar variation 4996193 (VCV004996193.1).

ClinVar aggregate classification (germline): Uncertain significance (1 of 4 stars; one submission).

Conditions:
TAF1-related disorder. Also called: TAF1-related condition.

Submission:

PreventionGenetics, part of Exact Sciences
Classification: Uncertain significance for TAF1-related condition. Last evaluated: 2026-09-19. Review status: criteria provided, single submitter. Criteria: ACMG Guidelines, 2015. Collection method: clinical testing. Allele origin: germline.
Comment: The TAF1 c.40_54dup15 variant is predicted to result in an in-frame duplication (p.Thr14_Ala18dup). To our knowledge, this variant has not been reported in the literature or in a large population database (gnomAD), indicating this variant is rare. At this time, the clinical significance of this variant is uncertain due to the absence of conclusive functional and genetic evidence.